The following is an entry in ClinVar:

NM_013435.3(RAX):c.*1516G>C

Gene: RAX (retina and anterior neural fold homeobox; minus strand). Cytogenetic location: 18q21.32.
Variant type: single nucleotide variant.
Coding change: c.*1516G>C on transcript NM_013435.3 (MANE Select); 1516 bases downstream of the stop codon, G replaced by C.
Molecular consequence: 3 prime UTR variant.
Genome position (GRCh38, 1-based): chr18:59,267,488, C>G on the plus strand (G>C on the coding strand, the complement: RAX is on the minus strand). VCF-style: chr18-59267488-C-G. GRCh37 (hg19) VCF-style: chr18-56934720-C-G.
Identifiers: ClinVar variation 327508 (VCV000327508.5), dbSNP rs147621199, ClinGen allele CA10647959.

ClinVar aggregate classification (germline): Likely benign (1 of 4 stars; one submission).

Conditions:
Isolated microphthalmia 3 (MCOPS16). Also called: MICROPHTHALMIA, SYNDROMIC 16. Identifiers: Orphanet 2542, MedGen C5774181, MONDO:0012604, OMIM 611038.

Allele frequency attached by ClinVar (database versions not stated): gnomAD 0.00658 and 0.00694; TOPMed 0.00765; 1000 Genomes Project 0.01038.

Submission:

Illumina Laboratory Services, Illumina
Classification: Likely benign for Isolated microphthalmia 3. Last evaluated: 2018-01-13. Review status: criteria provided, single submitter. Criteria: ICSL Variant Classification Criteria 13 December 2019. Collection method: clinical testing. Allele origin: germline.
Comment: This variant was observed in the ICSL laboratory as part of a predisposition screen in an ostensibly healthy population. It had not been previously curated by ICSL or reported in the Human Gene Mutation Database (HGMD: prior to June 1st, 2018), and was therefore a candidate for classification through an automated scoring system. Utilizing variant allele frequency, disease prevalence and penetrance estimates, and inheritance mode, an automated score was calculated to assess if this variant is too frequent to cause the disease. Based on the score and internal cut-off values, a variant classified as likely benign is not then subjected to further curation. The score for this variant resulted in a classification of likely benign for this disease.